The following is an entry in ClinVar:

ClinVar aggregate classification (germline): Likely pathogenic (1 of 4 stars; one submission).

Conditions:
BCS1L-related disorder. Also called: BCS1L-related disorders; BCS1L-related condition. Identifiers: MedGen CN239240.

Submission:

Myriad Genetics, Inc.
Classification: Likely pathogenic for BCS1L-related disorder. Last evaluated: 2022-05-27. Review status: criteria provided, single submitter. Criteria: Myriad Autosomal Dominant, Autosomal Recessive and X-Linked Classification Criteria (2023). Collection method: clinical testing. Allele origin: unknown.
Comment: NM_004328.4(BCS1L):c.402_403insTT(V135Lfs*24) is expected to be pathogenic in the context of BCS1L-related disorders. This variant is predicted to lead to an abnormal or absent protein product due to the creation of a premature termination codon in BCS1L, a gene where loss-of-function variants are known to be pathogenic. Please note: this variant was assessed in the context of healthy population screening.

NM_001079866.2(BCS1L):c.402_403insTT (p.Val135fs)

Gene: BCS1L (BCS1 ubiquinol-cytochrome c reductase complex chaperone; plus strand). Cytogenetic location: 2q35.
Variant type: Insertion.
Coding change: c.402_403insTT on transcript NM_001079866.2 (MANE Select); coding-DNA positions 402 to 403, TT inserted.
Protein change: p.Val135fs; shifts the reading frame from valine 135.
Molecular consequence: frameshift variant. On other transcripts: 5 prime UTR variant (5), non-coding transcript variant (1), intron variant (1).
Genome position: GRCh38 VCF-style: chr2-218661486-C-CTT. GRCh37 (hg19) VCF-style: chr2-219526209-C-CTT.
Other names: c.402_403insTT, p.Val135fs (NM_001257342.2, NM_001257343.2, NM_001257344.2 and 10 more transcripts); c.42_43insTT, p.Val15fs (NM_001318836.2, NM_001371451.1); c.-75_-74insTT (NM_001371453.1, NM_001371454.1, NM_001371455.1 and 2 more transcripts); c.-41-272_-41-271insTT (NM_001371452.1); short protein forms V135fs, V15fs.
Identifiers: ClinVar variation 1726226 (VCV001726226.3), dbSNP rs2469873818, ClinGen allele CA2580065713.